The following is an entry in ClinVar:

ClinVar aggregate classification (germline): Pathogenic (1 of 4 stars; one submission).

Conditions:
Fanconi anemia (FA). Also called: Fanconi's anemia. Identifiers: Orphanet 84, MedGen C0015625, MeSH D005199, MONDO:0019391.

Submission:

Labcorp Genetics (formerly Invitae), Labcorp
Classification: Pathogenic for Fanconi anemia. Last evaluated: 2025-06-18. Review status: criteria provided, single submitter. Criteria: Invitae Variant Classification Sherloc (09022015). Collection method: clinical testing. Allele origin: germline.
Comment: This sequence change creates a premature translational stop signal (p.Phe79Leufs*3) in the FANCC gene. It is expected to result in an absent or disrupted protein product. Loss-of-function variants in FANCC are known to be pathogenic (PMID: 17924555). This variant is not present in population databases (gnomAD no frequency). This variant has not been reported in the literature in individuals affected with FANCC-related conditions. For these reasons, this variant has been classified as Pathogenic.

Literature cited by the submitters: PubMed 17924555.

NM_000136.3(FANCC):c.237del (p.Phe79fs)

Gene: FANCC (FA complementation group C; minus strand). Cytogenetic location: 9q22.32.
Variant type: Deletion.
Coding change: c.237del on transcript NM_000136.3 (MANE Select); coding-DNA position 237, one base deleted (T; older notation c.237delT).
Protein change: p.Phe79fs; shifts the reading frame from phenylalanine 79.
Molecular consequence: frameshift variant.
Genome position (GRCh38, 1-based): chr9:95,247,445, A deleted on the plus strand (T on the coding strand, the reverse complement: FANCC is on the minus strand); the first of 4 consecutive A bases (chr9:95,247,445-95,247,448); deleting any one gives the same sequence. VCF-style (leftmost placement, unchanged base first): chr9-95247444-TA-T. GRCh37 (hg19) VCF-style: chr9-98009726-TA-T.
Other names: c.237del, p.Phe79fs (NM_001243743.2, NM_001243744.2); short protein forms F79fs.
Identifiers: ClinVar variation 4721658 (VCV004721658.1).